The following is an entry in ClinVar:

NM_000138.5(FBN1):c.2657C>T (p.Pro886Leu)

Gene: FBN1 (fibrillin 1; minus strand). Cytogenetic location: 15q21.1.
Variant type: single nucleotide variant.
Coding change: c.2657C>T on transcript NM_000138.5 (MANE Select); coding-DNA position 2657, C replaced by T.
Protein change: p.Pro886Leu; replaces proline 886 with leucine.
Molecular consequence: missense variant.
Genome position (GRCh38, 1-based): chr15:48,495,143, G>A on the plus strand (C>T on the coding strand, the complement: FBN1 is on the minus strand). VCF-style: chr15-48495143-G-A. GRCh37 (hg19) VCF-style: chr15-48787340-G-A.
Other names: short protein forms P886L.
Identifiers: ClinVar variation 406356 (VCV000406356.11), dbSNP rs1060501083, ClinGen allele CA16614816.

ClinVar aggregate classification (germline): Conflicting classifications of pathogenicity. Review status: criteria provided, conflicting classifications (1 of 4 stars). 4 submissions from 4 submitters: Pathogenic (1); Uncertain significance (2). 1 of the submissions does not count toward it. Last evaluated 2026-05-08.

Conditions:
Familial thoracic aortic aneurysm and aortic dissection (TAAD). Also called: Thoracic aortic aneurysms and dissections. Identifiers: Orphanet 91387, MedGen C4707243, MONDO:0019625.
Marfan syndrome (MFS). Also called: Marfan syndrome, classic; Marfan syndrome type 1; Marfan's syndrome; MARFAN SYNDROME, TYPE I; FBN1-Related Marfan Syndrome. Identifiers: Orphanet 284963, Orphanet 558, MedGen C0024796, MONDO:0007947, OMIM 154700.

Allele frequency attached by ClinVar (database versions not stated): gnomAD exomes below 0.00001.

Submissions (4):

GeneDx
Classification: Uncertain significance. Last evaluated: 2026-05-08. Review status: criteria provided, single submitter. Criteria: GeneDx Variant Classification Process June 2021. Collection method: clinical testing. Allele origin: germline.
Comment: Not observed at significant frequency in large population cohorts (gnomAD); In silico analysis supports that this missense variant has a deleterious effect on protein structure/function; Does not affect a cysteine or calcium-binding residue within an EGF-like domain or a TGF-binding protein domain of the FBN1 gene; cysteine substitutions in the EGF-like domains represent the majority of pathogenic missense changes associated with FBN1-related disorders (PMID: 12938084); This variant is associated with the following publications: (PMID: 33483584, 36517271, 12938084)

Labcorp Genetics (formerly Invitae), Labcorp
Classification: Pathogenic for Marfan syndrome; Familial thoracic aortic aneurysm and aortic dissection. Last evaluated: 2024-03-01. Review status: criteria provided, single submitter. Criteria: Invitae Variant Classification Sherloc (09022015). Collection method: clinical testing. Allele origin: germline.
Comment: This sequence change replaces proline, which is neutral and non-polar, with leucine, which is neutral and non-polar, at codon 886 of the FBN1 protein (p.Pro886Leu). This variant is not present in population databases (gnomAD no frequency). This missense change has been observed in individual(s) with FBN1-related conditions (PMID: 33483584; Invitae). In at least one individual the variant was observed to be de novo. ClinVar contains an entry for this variant (Variation ID: 406356). Advanced modeling of protein sequence and biophysical properties (such as structural, functional, and spatial information, amino acid conservation, physicochemical variation, residue mobility, and thermodynamic stability) performed at Invitae indicates that this missense variant is expected to disrupt FBN1 protein function with a positive predictive value of 95%. For these reasons, this variant has been classified as Pathogenic.

Color Diagnostics, LLC DBA Color Health
Classification: Uncertain significance for Familial thoracic aortic aneurysm and aortic dissection. Last evaluated: 2023-11-05. Review status: criteria provided, single submitter. Criteria: ACMG Guidelines, 2015. Collection method: clinical testing. Allele origin: germline.
Comment: This missense variant replaces proline with leucine at codon 886 of the FBN1 protein. Computational prediction suggests that this variant may have deleterious impact on protein structure and function (internally defined REVEL score threshold >= 0.7, PMID: 27666373). To our knowledge, functional studies have not been reported for this variant. This variant has been reported in one individual with definitive or suspected Marfan syndrome (PMID: 33483584). This variant has not been identified in the general population by the Genome Aggregation Database (gnomAD). The available evidence is insufficient to determine the role of this variant in disease conclusively. Therefore, this variant is classified as a Variant of Uncertain Significance.

Center for Medical Genetics Ghent, University of Ghent
Classification: Uncertain significance for Marfan syndrome. Last evaluated: 2017-11-07. Review status: no assertion criteria provided. Collection method: clinical testing. Allele origin: germline. Affected: yes. Not counted in ClinVar's aggregate classification.

Literature cited by the submitters: PubMed 33483584 (cited by Labcorp Genetics (formerly Invitae), Labcorp and Color Diagnostics, LLC DBA Color Health).